The following is an entry in ClinVar:

ClinVar aggregate classification (germline): Uncertain significance. Review status: criteria provided, multiple submitters, no conflicts (2 of 4 stars). 2 submissions from 2 submitters: Uncertain significance (2). Last evaluated 2026-04-14.

Conditions:
EP300-related disorder. Also called: EP300-related disorders; EP300-related condition.
Rubinstein-Taybi syndrome due to EP300 haploinsufficiency. Also called: EP300-Related Rubinstein-Taybi Syndrome; RUBINSTEIN-TAYBI SYNDROME 2. Identifiers: Orphanet 353284, Orphanet 783, MedGen C3150941, MONDO:0013364, OMIM 613684.

gnomAD v4.1: 4 of 1,614,070 alleles (0.00025%); highest among the groups gnomAD compares: Non-Finnish European, 0.00025%; no homozygotes.

Submissions (2):

PreventionGenetics, part of Exact Sciences
Classification: Uncertain significance for EP300-related condition. Last evaluated: 2026-04-14. Review status: criteria provided, single submitter. Criteria: ACMG Guidelines, 2015. Collection method: clinical testing. Allele origin: germline.
Comment: The EP300 c.2006T>A variant is predicted to result in the amino acid substitution p.Met669Lys. To our knowledge, this variant has not been reported in the literature in association with EP300-related conditions. This variant is reported in 0.0015% of alleles in individuals of European (Non-Finnish) descent in gnomAD. At this time, the clinical significance of this variant is uncertain due to the absence of conclusive functional and genetic evidence.

Labcorp Genetics (formerly Invitae), Labcorp
Classification: Uncertain significance for Rubinstein-Taybi syndrome due to EP300 haploinsufficiency. Last evaluated: 2025-01-28. Review status: criteria provided, single submitter. Criteria: Invitae Variant Classification Sherloc (09022015). Collection method: clinical testing. Allele origin: germline.
Comment: This sequence change replaces methionine, which is neutral and non-polar, with lysine, which is basic and polar, at codon 669 of the EP300 protein (p.Met669Lys). This variant is present in population databases (rs771268691, gnomAD 0.002%). This variant has not been reported in the literature in individuals affected with EP300-related conditions. Invitae Evidence Modeling of protein sequence and biophysical properties (such as structural, functional, and spatial information, amino acid conservation, physicochemical variation, residue mobility, and thermodynamic stability) indicates that this missense variant is not expected to disrupt EP300 protein function with a negative predictive value of 80%. In summary, the available evidence is currently insufficient to determine the role of this variant in disease. Therefore, it has been classified as a Variant of Uncertain Significance.

NM_001429.4(EP300):c.2006T>A (p.Met669Lys)

Gene: EP300 (EP300 lysine acetyltransferase; plus strand). Cytogenetic location: 22q13.2.
Variant type: single nucleotide variant.
Coding change: c.2006T>A on transcript NM_001429.4 (MANE Select); coding-DNA position 2006, T replaced by A.
Protein change: p.Met669Lys; replaces methionine 669 with lysine.
Molecular consequence: missense variant.
Genome position (GRCh38, 1-based): chr22:41,141,175, T>A. VCF-style: chr22-41141175-T-A. GRCh37 (hg19) VCF-style: chr22-41537179-T-A.
Other names: c.2006T>A, p.Met669Lys (NM_001362843.2); c.2006T>A (NM_001429.3); short protein forms M669K.
Identifiers: ClinVar variation 3613324 (VCV003613324.3).